The following is an entry in ClinVar:

NM_001204.7(BMPR2):c.1241G>A (p.Trp414Ter)

Gene: BMPR2 (bone morphogenetic protein receptor type 2; plus strand). Cytogenetic location: 2q33.2.
Variant type: single nucleotide variant.
Coding change: c.1241G>A on transcript NM_001204.7 (MANE Select); coding-DNA position 1241, G replaced by A.
Protein change: p.Trp414Ter; replaces tryptophan 414 with a stop codon.
Molecular consequence: nonsense.
Genome position (GRCh38, 1-based): chr2:202,532,697, G>A. VCF-style: chr2-202532697-G-A. GRCh37 (hg19) VCF-style: chr2-203397420-G-A.
Other names: c.1241G>A, p.W414* (LRG_712t1); short protein forms W414*.
Identifiers: ClinVar variation 425898 (VCV000425898.3), dbSNP rs1085307317, ClinGen allele CA350341931.
Genomic context (GRCh38, chr2:202,532,697, plus strand): 5'-TGAGGGACTGTGAATCAGCTTTGAAACAAGTAGACATGTATGCTCTTGGACTAATCTATT[G>A]GGAGATATTTATGAGATGTACAGACCTCTTCCCAGGTAAAAACTACTGTCAAAAGTTGAT-3'

ClinVar aggregate classification (germline): Pathogenic/Likely pathogenic. Review status: criteria provided, multiple submitters, no conflicts (2 of 4 stars). 3 submissions from 3 submitters: Pathogenic (1); Likely pathogenic (1). 1 of the submissions does not count toward it. Last evaluated 2025-09-20.

Conditions:
Primary pulmonary hypertension. Also called: Idiopathic pulmonary hypertension. Identifiers: MedGen C0152171.
Pulmonary hypertension, primary, 1 (PPH1). Also called: Pulmonary hypertension, familial primary, 1, with or without HHT. Identifiers: Orphanet 422, MedGen C4552070, MONDO:0024533, OMIM 178600.
Pulmonary venoocclusive disease 1 (PVOD1). Also called: Pulmonary venoocclusive disease 1, autosomal dominant. Identifiers: Orphanet 31837, MedGen C3887658, MONDO:0020713, OMIM 265450.

Submissions (3):

Labcorp Genetics (formerly Invitae), Labcorp
Classification: Pathogenic for Primary pulmonary hypertension. Last evaluated: 2025-09-20. Review status: criteria provided, single submitter. Criteria: Invitae Variant Classification Sherloc (09022015). Collection method: clinical testing. Allele origin: germline.
Comment: This sequence change creates a premature translational stop signal (p.Trp414*) in the BMPR2 gene. It is expected to result in an absent or disrupted protein product. Loss-of-function variants in BMPR2 are known to be pathogenic (PMID: 16429395). This variant is not present in population databases (gnomAD no frequency). This premature translational stop signal has been observed in individual(s) with pulmonary arterial hypertension (PMID: 16429395). ClinVar contains an entry for this variant (Variation ID: 425898). Algorithms developed to predict the effect of sequence changes on RNA splicing suggest that this variant may disrupt the consensus splice site. For these reasons, this variant has been classified as Pathogenic.

Fulgent Genetics
Classification: Likely pathogenic for Pulmonary hypertension, primary, 1; Pulmonary venoocclusive disease 1. Last evaluated: 2021-07-22. Review status: criteria provided, single submitter. Criteria: ACMG Guidelines, 2015. Collection method: clinical testing. Allele origin: unknown.

Rare Disease Genomics Group, St George's University of London
Classification: Pathogenic for Primary pulmonary hypertension. Review status: no assertion criteria provided. Collection method: literature only. Allele origin: germline. Affected: yes. Not counted in ClinVar's aggregate classification.

Literature cited by the submitters: PubMed 16429395 (cited by Labcorp Genetics (formerly Invitae), Labcorp and Rare Disease Genomics Group, St George's University of London).